The following is an entry in ClinVar:

ClinVar aggregate classification (germline): Uncertain significance. Review status: criteria provided, multiple submitters, no conflicts (2 of 4 stars). 2 submissions from 2 submitters: Uncertain significance (2). Last evaluated 2025-03-29.

Conditions:
Hereditary cancer-predisposing syndrome. Also called: Hereditary neoplastic syndrome; Tumor predisposition; Neoplastic Syndromes, Hereditary; Hereditary Cancer Syndrome. Identifiers: Orphanet 140162, MedGen C0027672, MeSH D009386, MONDO:0015356.
Von Hippel-Lindau syndrome (VHLS). Also called: von Hippel–Lindau syndrome; VHL syndrome; Von Hippel-Lindau. Identifiers: Orphanet 892, MedGen C0019562, MONDO:0008667, OMIM 193300. Disease mechanism: loss of function.
Chuvash polycythemia. Also called: POLYCYTHEMIA, VHL-DEPENDENT. Identifiers: Orphanet 238557, MedGen C1837915, MONDO:0009892, OMIM 263400.

Submissions (2):

Ambry Genetics
Classification: Uncertain significance for Hereditary cancer-predisposing syndrome. Last evaluated: 2025-03-29. Review status: criteria provided, single submitter. Criteria: Ambry Variant Classification Scheme 2023. Collection method: clinical testing. Allele origin: germline.
Comment: The c.112_156del45 variant (also known as p.S38_E52del) is located in coding exon 1 of the VHL gene. This variant results from an in-frame deletion of 45 nucleotides at nucleotide positions 112 to 156. This results in the in-frame deletion of 15 amino acid at codons 38 to 52. This amino acid region is not well conserved in available vertebrate species. In addition, the in silico prediction for this alteration is inconclusive (Choi Y et al. PLoS ONE. 2012; 7(10):e46688). Based on the available evidence, the clinical significance of this variant remains unclear.

Labcorp Genetics (formerly Invitae), Labcorp
Classification: Uncertain significance for Von Hippel-Lindau syndrome; Chuvash polycythemia. Last evaluated: 2022-02-17. Review status: criteria provided, single submitter. Criteria: Invitae Variant Classification Sherloc (09022015). Collection method: clinical testing. Allele origin: germline.
Comment: ClinVar contains an entry for this variant (Variation ID: 949032). In summary, the available evidence is currently insufficient to determine the role of this variant in disease. Therefore, it has been classified as a Variant of Uncertain Significance. Experimental studies and prediction algorithms are not available or were not evaluated, and the functional significance of this variant is currently unknown. This variant has not been reported in the literature in individuals affected with VHL-related conditions. This variant is not present in population databases (gnomAD no frequency). This variant, c.112_156del, results in the deletion of 15 amino acid(s) of the VHL protein (p.Ser38_Glu52del), but otherwise preserves the integrity of the reading frame.

NM_000551.4(VHL):c.112_156del (p.Ser38_Glu52del)

Gene: VHL (von Hippel-Lindau tumor suppressor; plus strand). Cytogenetic location: 3p25.3.
Variant type: Deletion.
Coding change: c.112_156del on transcript NM_000551.4 (MANE Select); coding-DNA positions 112 to 156, 45 bases deleted.
Protein change: p.Ser38_Glu52del.
Molecular consequence: inframe deletion.
Genome position (GRCh38, 1-based): chr3:10,141,959-10,142,003, 45 bases deleted; deleting any 45 consecutive bases within chr3:10,141,946-10,142,003 gives the same sequence; the c. name uses the placement nearest the transcript's 3' end. GRCh37 (hg19): chr3:10,183,643-10,183,687.
Other names: c.112_156del, p.Ser38_Glu52del (NM_001354723.2, NM_198156.3); c.112_156del45 (NM_000551.3).
Identifiers: ClinVar variation 949032 (VCV000949032.9), dbSNP rs1575921303, ClinGen allele CA1139655723.